The following is an entry in ClinVar:

Conditions:
Long QT syndrome 5 (LQT5). Identifiers: Orphanet 101016, Orphanet 768, MedGen C1867904, MONDO:0013372, OMIM 613695.

Submission:

Roden Lab, Vanderbilt University Medical Center
No classification provided (evidence only). Condition: Long QT syndrome 5. Review status: no classification provided. Collection method: in vitro. Allele origin: not applicable. Functional consequence: Effect on ion channel function.
ClinVar note: "not provided" was previously submitted as the classification for the variant. However, the classification appeared to be based only on an observation of functional data so it was converted to no classification on 2025-07-30.

NM_000219.6(KCNE1):c.187C>G (p.Leu63Val)

Gene: KCNE1 (potassium voltage-gated channel subfamily E regulatory subunit 1; minus strand). Cytogenetic location: 21q22.12.
Variant type: single nucleotide variant.
Coding change: c.187C>G on transcript NM_000219.6 (MANE Select); coding-DNA position 187, C replaced by G.
Protein change: p.Leu63Val; replaces leucine 63 with valine.
Molecular consequence: missense variant.
Genome position (GRCh38, 1-based): chr21:34,449,448, G>C on the plus strand (C>G on the coding strand, the complement: KCNE1 is on the minus strand). VCF-style: chr21-34449448-G-C. GRCh37 (hg19) VCF-style: chr21-35821746-G-C.
Other names: c.187C>G, p.Leu63Val (NM_001127668.4, NM_001127669.4, NM_001127670.4 and 4 more transcripts); short protein forms L63V.
Identifiers: ClinVar variation 3374278 (VCV003374278.2).